The following is an entry in ClinVar:

ClinVar aggregate classification (germline): Likely benign (0 of 4 stars; one submission).

Conditions:
BCKDK-related disorder. Also called: BCKDK-related condition.

Allele frequency attached by ClinVar (database versions not stated): gnomAD 0.00001; gnomAD exomes 0.00001; TOPMed 0.00001.
gnomAD v4.1: 12 of 1,614,096 alleles (0.00074%); highest among the groups gnomAD compares: Non-Finnish European, 0.00093%; no homozygotes.

Submission:

PreventionGenetics, part of Exact Sciences
Classification: Likely benign for BCKDK-related condition. Last evaluated: 2020-01-03. Review status: no assertion criteria provided. Collection method: clinical testing. Allele origin: germline.
Comment: This variant is classified as likely benign based on ACMG/AMP sequence variant interpretation guidelines (Richards et al. 2015 PMID: 25741868, with internal and published modifications).

NM_005881.4(BCKDK):c.845+6G>A

Gene: BCKDK (branched chain keto acid dehydrogenase kinase; plus strand). Cytogenetic location: 16p11.2.
Variant type: single nucleotide variant.
Coding change: c.845+6G>A on transcript NM_005881.4 (MANE Select); 6 bases into the intron after coding-DNA position 845, G replaced by A.
Molecular consequence: intron variant.
Genome position (GRCh38, 1-based): chr16:31,111,225, G>A. VCF-style: chr16-31111225-G-A. GRCh37 (hg19) VCF-style: chr16-31122546-G-A.
Other names: c.845+6G>A (NM_001122957.4, NM_001271926.3).
Identifiers: ClinVar variation 3035954 (VCV003035954.2), dbSNP rs1440509074, ClinGen allele CA622171877.
Genomic context (GRCh38, chr16:31,111,225, plus strand): 5'-TCATCCCTATGCCACTGGACTACATCCTGCCGGAGCTGCTCAAGAATGCCATGAGGTGGG[G>A]TGGCTTGATGTGCTGGCTTGGGGGCGGACAGGAACCGGGGTGCTTGTACCTACTGGTCTT-3'